The following is an entry in ClinVar:

NM_001242896.3(DEPDC5):c.1249A>T (p.Asn417Tyr)

Gene: DEPDC5 (DEP domain containing 5, GATOR1 subcomplex subunit; plus strand). Cytogenetic location: 22q12.3.
Variant type: single nucleotide variant.
Coding change: c.1249A>T on transcript NM_001242896.3 (MANE Select); coding-DNA position 1249, A replaced by T.
Protein change: p.Asn417Tyr; replaces asparagine 417 with tyrosine.
Molecular consequence: missense variant. On other transcripts: non-coding transcript variant (5).
Genome position (GRCh38, 1-based): chr22:31,806,153, A>T. VCF-style: chr22-31806153-A-T. GRCh37 (hg19) VCF-style: chr22-32202139-A-T.
Other names: c.1249A>T, p.Asn417Tyr (NM_001007188.4, NM_001136029.4, NM_001242897.2 and 7 more transcripts); c.1165A>T, p.Asn389Tyr (NM_001369901.1, NM_001369902.1); short protein forms N417Y, N389Y.
Identifiers: ClinVar variation 407345 (VCV000407345.8), dbSNP rs763518514, ClinGen allele CA16616597.
Genomic context (GRCh38, chr22:31,806,153, plus strand): 5'-ATTAATGACTCTGTTTGTTTCTTTTACAGTTTCTACACATCCAAAAGCCAGCTCTTTTGT[A>T]ATAGTTTCACCCCACGAATAAAACTGGCAGGAAAGAAGGTAGGTTTTTATTTTTGTTAAG-3'
Protein context (NP_001229825.1, residues 407-427): FYTSKSQLFC[Asn417Tyr]SFTPRIKLAG

ClinVar aggregate classification (germline): Uncertain significance (1 of 4 stars; one submission).

Conditions:
Familial focal epilepsy with variable foci (FPEVF). Identifiers: Orphanet 98820, MedGen C1858477, MONDO:0020310.

gnomAD v4.1: 1 of 1,613,998 alleles (0.000062%); highest among the groups gnomAD compares: Admixed American, 0.0017%; no homozygotes.

Submission:

Labcorp Genetics (formerly Invitae), Labcorp
Classification: Uncertain significance for Familial focal epilepsy with variable foci. Last evaluated: 2024-03-06. Review status: criteria provided, single submitter. Criteria: Invitae Variant Classification Sherloc (09022015). Collection method: clinical testing. Allele origin: germline.
Comment: This sequence change replaces asparagine, which is neutral and polar, with tyrosine, which is neutral and polar, at codon 417 of the DEPDC5 protein (p.Asn417Tyr). This variant is present in population databases (no rsID available, gnomAD 0.003%). This missense change has been observed in individual(s) with clinical features of DEPDC5-related conditions (Invitae). ClinVar contains an entry for this variant (Variation ID: 407345). Experimental studies and prediction algorithms are not available or were not evaluated, and the functional significance of this variant is currently unknown. In summary, the available evidence is currently insufficient to determine the role of this variant in disease. Therefore, it has been classified as a Variant of Uncertain Significance.